The following is an entry in ClinVar:

NM_213647.3(FGFR4):c.1215T>A (p.Thr405=)

Gene: FGFR4 (fibroblast growth factor receptor 4; plus strand). Cytogenetic location: 5q35.2.
Variant type: single nucleotide variant.
Coding change: c.1215T>A on transcript NM_213647.3 (MANE Select); coding-DNA position 1215, T replaced by A.
Protein change: p.Thr405=; no amino-acid change (threonine 405 retained).
Molecular consequence: synonymous variant. On other transcripts: intron variant (2).
Genome position (GRCh38, 1-based): chr5:177,093,295, T>A. VCF-style: chr5-177093295-T-A. GRCh37 (hg19) VCF-style: chr5-176520296-T-A.
Other names: c.1215T>A, p.Thr405= (NM_001354984.2, NM_002011.5); c.1098-111T>A (NM_001291980.2); c.1058-37T>A (NM_022963.3).
Identifiers: ClinVar variation 3039021 (VCV003039021.2), dbSNP rs1784435046, ClinGen allele CA447959149.
Genomic context (GRCh38, chr5:177,093,295, plus strand): 5'-GCTGGCCGGGCTGTATCGAGGGCAGGCGCTCCACGGCCGGCACCCCCGCCCGCCCGCCAC[T>A]GTGCAGAAGCTCTCCCGCTTCCCTCTGGCCCGACAGGTACTGGGCGCATCCCCCACCTCA-3'
Protein context (NP_998812.1, residues 395-415): LHGRHPRPPA[Thr405=]VQKLSRFPLA

ClinVar aggregate classification (germline): Likely benign (0 of 4 stars; one submission).

Conditions:
FGFR4-related disorder. Also called: FGFR4-related condition.

Submission:

PreventionGenetics, part of Exact Sciences
Classification: Likely benign for FGFR4-related condition. Last evaluated: 2020-11-30. Review status: no assertion criteria provided. Collection method: clinical testing. Allele origin: germline.
Comment: This variant is classified as likely benign based on ACMG/AMP sequence variant interpretation guidelines (Richards et al. 2015 PMID: 25741868, with internal and published modifications).